The following is an entry in ClinVar:

NM_000138.5(FBN1):c.581T>C (p.Met194Thr)

Gene: FBN1 (fibrillin 1; minus strand). Cytogenetic location: 15q21.1.
Variant type: single nucleotide variant.
Coding change: c.581T>C on transcript NM_000138.5 (MANE Select); coding-DNA position 581, T replaced by C.
Protein change: p.Met194Thr; replaces methionine 194 with threonine.
Molecular consequence: missense variant.
Genome position (GRCh38, 1-based): chr15:48,537,766, A>G on the plus strand (T>C on the coding strand, the complement: FBN1 is on the minus strand). VCF-style: chr15-48537766-A-G. GRCh37 (hg19) VCF-style: chr15-48829963-A-G.
Other names: c.581T>C, p.Met194Thr (NM_001406716.1, NM_001406717.1); short protein forms M194T.
Identifiers: ClinVar variation 2645315 (VCV002645315.24), dbSNP rs2505661576, ClinGen allele CA392446108.

ClinVar aggregate classification (germline): Uncertain significance (1 of 4 stars; one submission).

Submission:

CeGaT Center for Human Genetics Tuebingen
Classification: Uncertain significance. Last evaluated: 2022-05-01. Review status: criteria provided, single submitter. Criteria: CeGaT Center For Human Genetics Tuebingen Variant Classification Criteria Version 2. Collection method: clinical testing. Allele origin: germline. Affected: yes. Observed: 1 variant allele.
Comment: FBN1: PM2, PP2, PP3